The following is an entry in ClinVar:

NM_020832.3(ZNF687):c.225A>G (p.Pro75=)

Gene: ZNF687 (zinc finger protein 687; plus strand). Cytogenetic location: 1q21.3.
Variant type: single nucleotide variant.
Coding change: c.225A>G on transcript NM_020832.3 (MANE Select); coding-DNA position 225, A replaced by G.
Protein change: p.Pro75=; no amino-acid change (proline 75 retained).
Molecular consequence: synonymous variant.
Genome position (GRCh38, 1-based): chr1:151,286,516, A>G. VCF-style: chr1-151286516-A-G. GRCh37 (hg19) VCF-style: chr1-151258992-A-G.
Other names: c.225A>G (NM_020832.2); c.225A>G, p.Pro75= (NM_001304763.2, NM_001304764.2).
Identifiers: ClinVar variation 2721623 (VCV002721623.5), dbSNP rs751129170, ClinGen allele CA1088123.

ClinVar aggregate classification (germline): Likely benign. Review status: criteria provided, single submitter (1 of 4 stars). 2 submissions from 2 submitters: Likely benign (1). 1 of the submissions does not count toward it. Last evaluated 2025-12-09.

Conditions:
ZNF687-related disorder. Also called: ZNF687-related condition.

Allele frequency attached by ClinVar (database versions not stated): ExAC 0.00001; gnomAD exomes 0.00005; TOPMed 0.00034; gnomAD 0.00019.
gnomAD v4.1: 60 of 1,614,042 alleles (0.0037%); highest among the groups gnomAD compares: Admixed American, 0.097%; no homozygotes.

Submissions (2):

Labcorp Genetics (formerly Invitae), Labcorp
Classification: Likely benign. Last evaluated: 2025-12-09. Review status: criteria provided, single submitter. Criteria: Invitae Variant Classification Sherloc (09022015). Collection method: clinical testing. Allele origin: germline.

PreventionGenetics, part of Exact Sciences
Classification: Likely benign for ZNF687-related condition. Last evaluated: 2019-05-23. Review status: no assertion criteria provided. Collection method: clinical testing. Allele origin: germline. Not counted in ClinVar's aggregate classification.
Comment: This variant is classified as likely benign based on ACMG/AMP sequence variant interpretation guidelines (Richards et al. 2015 PMID: 25741868, with internal and published modifications).